The following is an entry in ClinVar:

NM_000440.3(PDE6A):c.2433G>A (p.Ala811=)

Gene: PDE6A (phosphodiesterase 6A; minus strand). Cytogenetic location: 5q32.
Variant type: single nucleotide variant.
Coding change: c.2433G>A on transcript NM_000440.3 (MANE Select); coding-DNA position 2433, G replaced by A.
Protein change: p.Ala811=; no amino-acid change (alanine 811 retained).
Molecular consequence: synonymous variant.
Genome position (GRCh38, 1-based): chr5:149,863,192, C>T on the plus strand (G>A on the coding strand, the complement: PDE6A is on the minus strand). VCF-style: chr5-149863192-C-T. GRCh37 (hg19) VCF-style: chr5-149242755-C-T.
Other names: c.2433G>A (NM_000440.2).
Identifiers: ClinVar variation 1605661 (VCV001605661.9), dbSNP rs749307093, ClinGen allele CA3504277.

ClinVar aggregate classification (germline): Likely benign. Review status: criteria provided, multiple submitters, no conflicts (2 of 4 stars). 2 submissions from 2 submitters: Likely benign (2). Last evaluated 2025-09-05.

Conditions:
PDE6A-related disorder. Also called: PDE6A-related condition.

Allele frequency attached by ClinVar (database versions not stated): TOPMed below 0.00001; ExAC 0.00001; gnomAD 0.00001 and 0.00002; gnomAD exomes 0.00001.

Submissions (2):

PreventionGenetics, part of Exact Sciences
Classification: Likely benign for PDE6A-related condition. Last evaluated: 2025-09-05. Review status: criteria provided, single submitter. Criteria: ACMG Guidelines, 2015. Collection method: clinical testing. Allele origin: germline.
Comment: This variant is classified as likely benign based on ACMG/AMP sequence variant interpretation guidelines (Richards et al. 2015 PMID: 25741868, with internal and published modifications).

Labcorp Genetics (formerly Invitae), Labcorp
Classification: Likely benign. Last evaluated: 2025-08-14. Review status: criteria provided, single submitter. Criteria: Invitae Variant Classification Sherloc (09022015). Collection method: clinical testing. Allele origin: germline.